The following is an entry in ClinVar:

ClinVar aggregate classification (germline): Benign. Review status: criteria provided, single submitter (1 of 4 stars). 2 submissions from 2 submitters: Benign (1). 1 of the submissions does not count toward it. Last evaluated 2026-01-28.

Conditions:
CEP152-related disorder. Also called: CEP152-related disorders; CEP152-related condition. Identifiers: MedGen CN239248.

Allele frequency attached by ClinVar (database versions not stated): gnomAD exomes 0.00031; ExAC 0.00037; 1000 Genomes Project 0.00100; 1000 Genomes Project 30x 0.00109; TOPMed 0.00125; gnomAD 0.00141 and 0.00147; ESP Exome Variant Server 0.00152.
gnomAD v4.1: 378 of 1,589,006 alleles (0.024%); highest among the groups gnomAD compares: African/African-American, 0.41%; 3 homozygotes.

Submissions (2):

Labcorp Genetics (formerly Invitae), Labcorp
Classification: Benign. Last evaluated: 2026-01-28. Review status: criteria provided, single submitter. Criteria: Invitae Variant Classification Sherloc (09022015). Collection method: clinical testing. Allele origin: germline.

PreventionGenetics, part of Exact Sciences
Classification: Likely benign for CEP152-related condition. Last evaluated: 2022-08-30. Review status: no assertion criteria provided. Collection method: clinical testing. Allele origin: germline. Not counted in ClinVar's aggregate classification.
Comment: This variant is classified as likely benign based on ACMG/AMP sequence variant interpretation guidelines (Richards et al. 2015 PMID: 25741868, with internal and published modifications).

NM_001194998.2(CEP152):c.61G>A (p.Glu21Lys)

Gene: CEP152 (centrosomal protein 152; minus strand). Cytogenetic location: 15q21.1.
Variant type: single nucleotide variant.
Coding change: c.61G>A on transcript NM_001194998.2 (MANE Select); coding-DNA position 61, G replaced by A.
Protein change: p.Glu21Lys; replaces glutamic acid 21 with lysine.
Molecular consequence: missense variant.
Genome position (GRCh38, 1-based): chr15:48,805,589, C>T on the plus strand (G>A on the coding strand, the complement: CEP152 is on the minus strand). VCF-style: chr15-48805589-C-T. GRCh37 (hg19) VCF-style: chr15-49097786-C-T.
Other names: c.61G>A, p.Glu21Lys (NM_014985.4); c.61G>A (NM_001194998.1); short protein forms E21K.
Identifiers: ClinVar variation 791195 (VCV000791195.11), dbSNP rs187563127, ClinGen allele CA7549258.